The following is an entry in ClinVar:

ClinVar aggregate classification (germline): Uncertain significance. Review status: criteria provided, multiple submitters, no conflicts (2 of 4 stars). 2 submissions from 2 submitters: Uncertain significance (2). Last evaluated 2025-01-14.

Conditions:
Hereditary cancer-predisposing syndrome. Also called: Neoplastic Syndromes, Hereditary; Hereditary Cancer Syndrome; Tumor predisposition; Hereditary neoplastic syndrome. Identifiers: Orphanet 140162, MedGen C0027672, MeSH D009386, MONDO:0015356.
Bloom syndrome (BLM). Also called: Bloom-Torre-Machacek syndrome. Identifiers: Orphanet 125, MedGen C0005859, MONDO:0008876, OMIM 210900.

Submissions (2):

Ambry Genetics
Classification: Uncertain significance for Hereditary cancer-predisposing syndrome. Last evaluated: 2025-01-14. Review status: criteria provided, single submitter. Criteria: Ambry Variant Classification Scheme 2023. Collection method: clinical testing. Allele origin: germline.
Comment: The p.I373T variant (also known as c.1118T>C), located in coding exon 5 of the BLM gene, results from a T to C substitution at nucleotide position 1118. The isoleucine at codon 373 is replaced by threonine, an amino acid with similar properties. This amino acid position is conserved. In addition, this alteration is predicted to be tolerated by in silico analysis. Based on the available evidence, the clinical significance of this variant remains unclear.

Labcorp Genetics (formerly Invitae), Labcorp
Classification: Uncertain significance for Bloom syndrome. Last evaluated: 2024-12-08. Review status: criteria provided, single submitter. Criteria: Invitae Variant Classification Sherloc (09022015). Collection method: clinical testing. Allele origin: germline.
Comment: This sequence change replaces isoleucine, which is neutral and non-polar, with threonine, which is neutral and polar, at codon 373 of the BLM protein (p.Ile373Thr). This variant is not present in population databases (gnomAD no frequency). This variant has not been reported in the literature in individuals affected with BLM-related conditions. ClinVar contains an entry for this variant (Variation ID: 1935277). Invitae Evidence Modeling of protein sequence and biophysical properties (such as structural, functional, and spatial information, amino acid conservation, physicochemical variation, residue mobility, and thermodynamic stability) indicates that this missense variant is not expected to disrupt BLM protein function with a negative predictive value of 80%. In summary, the available evidence is currently insufficient to determine the role of this variant in disease. Therefore, it has been classified as a Variant of Uncertain Significance.

NM_000057.4(BLM):c.1118T>C (p.Ile373Thr)

Gene: BLM (BLM RecQ like helicase; plus strand). Cytogenetic location: 15q26.1.
Variant type: single nucleotide variant.
Coding change: c.1118T>C on transcript NM_000057.4 (MANE Select); coding-DNA position 1118, T replaced by C.
Protein change: p.Ile373Thr; replaces isoleucine 373 with threonine.
Molecular consequence: missense variant. On other transcripts: 5 prime UTR variant (1).
Genome position (GRCh38, 1-based): chr15:90,760,177, T>C. VCF-style: chr15-90760177-T-C. GRCh37 (hg19) VCF-style: chr15-91303407-T-C.
Other names: c.1118T>C, p.Ile373Thr (NM_001287246.2, NM_001287247.2); c.-8T>C (NM_001287248.2); short protein forms I373T.
Identifiers: ClinVar variation 1935277 (VCV001935277.5), dbSNP rs1060500630, ClinGen allele CA393842346.
Genomic context (GRCh38, chr15:90,760,177, plus strand): 5'-AAAAATATTAACAACATAATTATTTTATAGCTAGACAGATAAGTTTACAGCAGCAGCTTA[T>C]TCATGTGATGGAGCACATCTGTAAATTAATTGATACTATTCCTGATGATAAACTGAAACT-3'
Protein context (NP_000048.1, residues 363-383): ARQISLQQQL[Ile373Thr]HVMEHICKLI